The following is an entry in ClinVar:

NM_020975.6(RET):c.2322A>G (p.Ser774=)

Gene: RET (ret proto-oncogene; plus strand). Cytogenetic location: 10q11.21.
Variant type: single nucleotide variant.
Coding change: c.2322A>G on transcript NM_020975.6 (MANE Select); coding-DNA position 2322, A replaced by G.
Protein change: p.Ser774=; no amino-acid change (serine 774 retained).
Molecular consequence: synonymous variant.
Genome position (GRCh38, 1-based): chr10:43,118,410, A>G. VCF-style: chr10-43118410-A-G. GRCh37 (hg19) VCF-style: chr10-43613858-A-G.
Other names: c.2322A>G, p.Ser774= (NM_000323.2, NM_001406743.1, NM_001406744.1 and 4 more transcripts); c.1560A>G, p.Ser520= (NM_001355216.2); c.2193A>G, p.Ser731= (NM_001406761.1, NM_001406762.1, NM_001406764.1); c.2187A>G, p.Ser729= (NM_001406763.1, NM_001406765.1); c.2034A>G, p.Ser678= (NM_001406766.1, NM_001406767.1, NM_001406770.1); c.2058A>G, p.Ser686= (NM_001406768.1); c.1926A>G, p.Ser642= (NM_001406769.1, NM_001406772.1); c.1884A>G, p.Ser628= (NM_001406771.1, NM_001406773.1); and 10 more.
Identifiers: ClinVar variation 1789591 (VCV001789591.10), dbSNP rs760821097, ClinGen allele CA038566.

ClinVar aggregate classification (germline): Benign/Likely benign. Review status: criteria provided, multiple submitters, no conflicts (2 of 4 stars). 5 submissions from 5 submitters: Benign (1); Likely benign (4). Last evaluated 2025-03-20.

Conditions:
Multiple endocrine neoplasia, type 2 (MEN2). Identifiers: Orphanet 653, MedGen C4048306, MONDO:0019003. Disease mechanism: gain of function.
Hereditary cancer-predisposing syndrome. Also called: Hereditary Cancer Syndrome; Hereditary neoplastic syndrome; Tumor predisposition; Neoplastic Syndromes, Hereditary. Identifiers: Orphanet 140162, MedGen C0027672, MeSH D009386, MONDO:0015356.
Multiple endocrine neoplasia type 2A. Also called: MULTIPLE ENDOCRINE NEOPLASIA, TYPE IIA; PTC SYNDROME; SIPPLE SYNDROME; MEN 2A; MEN-2A syndrome; Pheochromocytoma and amyloid producing medullary thyroid carcinoma. Identifiers: Orphanet 247698, Orphanet 653, MedGen C0025268, MeSH D018813, MONDO:0008234, OMIM 171400.

Allele frequency attached by ClinVar (database versions not stated): gnomAD exomes 0.00001; ExAC 0.00002.
gnomAD v4.1: 16 of 1,614,142 alleles (0.00099%); highest among the groups gnomAD compares: Non-Finnish European, 0.0013%; no homozygotes.

Submissions (5):

Quest Diagnostics Nichols Institute San Juan Capistrano
Classification: Likely benign. Last evaluated: 2025-03-20. Review status: criteria provided, single submitter. Criteria: Quest Diagnostics criteria. Collection method: clinical testing. Allele origin: unknown.

Myriad Genetics, Inc.
Classification: Benign for Multiple endocrine neoplasia type 2A. Last evaluated: 2025-02-26. Review status: criteria provided, single submitter. Criteria: Myriad Autosomal Dominant, Autosomal Recessive and X-Linked Classification Criteria (2023). Collection method: clinical testing. Allele origin: unknown.
Comment: This variant is considered benign. This variant is a silent/synonymous amino acid change and it is not expected to impact splicing.

Labcorp Genetics (formerly Invitae), Labcorp
Classification: Likely benign for Multiple endocrine neoplasia, type 2. Last evaluated: 2024-04-25. Review status: criteria provided, single submitter. Criteria: Invitae Variant Classification Sherloc (09022015). Collection method: clinical testing. Allele origin: germline.

All of Us Research Program, National Institutes of Health
Classification: Likely benign for Multiple endocrine neoplasia, type 2. Last evaluated: 2023-06-08. Review status: criteria provided, single submitter. Criteria: ACMG Guidelines, 2015. Collection method: clinical testing. Allele origin: germline. Inheritance: Autosomal dominant inheritance. Observed: 1 variant allele, 1 heterozygote.
Comment: This study involves interpretation of variants in research participants for the purpose of population health screening. Participant phenotype was not available at the time of variant classification. Additional details can be found in publication PMID: 35346344, PMCID: PMC8962531

Ambry Genetics
Classification: Likely benign for Hereditary cancer-predisposing syndrome. Last evaluated: 2021-02-17. Review status: criteria provided, single submitter. Criteria: Ambry Variant Classification Scheme 2023. Collection method: clinical testing. Allele origin: germline.